The following is an entry in ClinVar:

NM_018127.7(ELAC2):c.8C>T (p.Ala3Val)

Gene: ELAC2 (elaC ribonuclease Z 2; minus strand). Cytogenetic location: 17p12.
Variant type: single nucleotide variant.
Coding change: c.8C>T on transcript NM_018127.7 (MANE Select); coding-DNA position 8, C replaced by T.
Protein change: p.Ala3Val; replaces alanine 3 with valine.
Molecular consequence: missense variant.
Genome position (GRCh38, 1-based): chr17:13,017,940, G>A on the plus strand (C>T on the coding strand, the complement: ELAC2 is on the minus strand). VCF-style: chr17-13017940-G-A. GRCh37 (hg19) VCF-style: chr17-12921257-G-A.
Other names: c.8C>T, p.Ala3Val (NM_001165962.2, NM_173717.2); short protein forms A3V.
Identifiers: ClinVar variation 1418449 (VCV001418449.3), dbSNP rs1273371887, ClinGen allele CA398219514.

ClinVar aggregate classification (germline): Uncertain significance (1 of 4 stars; one submission).

Conditions:
Combined oxidative phosphorylation defect type 17. Also called: Combined oxidative phosphorylation deficiency 17. Identifiers: Orphanet 369913, MedGen C3809526, MONDO:0014190, OMIM 615440.

Allele frequency attached by ClinVar (database versions not stated): gnomAD exomes 0.00002.
gnomAD v4.1: 5 of 1,536,992 alleles (0.00033%); highest among the groups gnomAD compares: Admixed American, 0.0059%; no homozygotes.

Submission:

Labcorp Genetics (formerly Invitae), Labcorp
Classification: Uncertain significance for Combined oxidative phosphorylation defect type 17. Last evaluated: 2022-07-26. Review status: criteria provided, single submitter. Criteria: Invitae Variant Classification Sherloc (09022015). Collection method: clinical testing. Allele origin: germline.
Comment: This sequence change replaces alanine, which is neutral and non-polar, with valine, which is neutral and non-polar, at codon 3 of the ELAC2 protein (p.Ala3Val). This variant is present in population databases (no rsID available, gnomAD 0.008%). This variant has not been reported in the literature in individuals affected with ELAC2-related conditions. ClinVar contains an entry for this variant (Variation ID: 1418449). Algorithms developed to predict the effect of missense changes on protein structure and function (SIFT, PolyPhen-2, Align-GVGD) all suggest that this variant is likely to be tolerated. In summary, the available evidence is currently insufficient to determine the role of this variant in disease. Therefore, it has been classified as a Variant of Uncertain Significance.